The following is an entry in ClinVar:

ClinVar aggregate classification (germline): Uncertain significance (1 of 4 stars; one submission).

Allele frequency attached by ClinVar (database versions not stated): gnomAD 0.00001; gnomAD exomes 0.00001; TOPMed 0.00002; ExAC 0.00003; 1000 Genomes Project 30x 0.00016; 1000 Genomes Project 0.00020.
gnomAD v4.1: 6 of 1,613,662 alleles (0.00037%); highest among the groups gnomAD compares: East Asian, 0.0045%; no homozygotes.

Submission:

Labcorp Genetics (formerly Invitae), Labcorp
Classification: Uncertain significance. Last evaluated: 2021-12-18. Review status: criteria provided, single submitter. Criteria: Invitae Variant Classification Sherloc (09022015). Collection method: clinical testing. Allele origin: germline.
Comment: In summary, the available evidence is currently insufficient to determine the role of this variant in disease. Therefore, it has been classified as a Variant of Uncertain Significance. Algorithms developed to predict the effect of missense changes on protein structure and function output the following: SIFT: "Not Available"; PolyPhen-2: "Benign"; Align-GVGD: "Not Available". The asparagine amino acid residue is found in multiple mammalian species, which suggests that this missense change does not adversely affect protein function. This variant has not been reported in the literature in individuals affected with FN1-related conditions. This variant is present in population databases (rs200183962, gnomAD 0.01%). This sequence change replaces serine, which is neutral and polar, with asparagine, which is neutral and polar, at codon 48 of the FN1 protein (p.Ser48Asn).

NM_212482.4(FN1):c.143G>A (p.Ser48Asn)

Gene: FN1 (fibronectin 1; minus strand). Cytogenetic location: 2q35.
Variant type: single nucleotide variant.
Coding change: c.143G>A on transcript NM_212482.4 (MANE Select); coding-DNA position 143, G replaced by A.
Protein change: p.Ser48Asn; replaces serine 48 with asparagine.
Molecular consequence: missense variant.
Genome position (GRCh38, 1-based): chr2:215,435,660, C>T on the plus strand (G>A on the coding strand, the complement: FN1 is on the minus strand). VCF-style: chr2-215435660-C-T. GRCh37 (hg19) VCF-style: chr2-216300383-C-T.
Other names: c.143G>A, p.Ser48Asn (NM_001306129.2, NM_001306130.2, NM_001306131.2 and 14 more transcripts); short protein forms S48N.
Identifiers: ClinVar variation 2013575 (VCV002013575.4), dbSNP rs200183962, ClinGen allele CA2095676.